The following is an entry in ClinVar:

NM_001127198.5(TMC6):c.134C>T (p.Thr45Met)

Gene: TMC6 (transmembrane channel like 6; minus strand). Cytogenetic location: 17q25.3.
Variant type: single nucleotide variant.
Coding change: c.134C>T on transcript NM_001127198.5 (MANE Select); coding-DNA position 134, C replaced by T.
Protein change: p.Thr45Met; replaces threonine 45 with methionine.
Molecular consequence: missense variant.
Genome position (GRCh38, 1-based): chr17:78,126,571, G>A on the plus strand (C>T on the coding strand, the complement: TMC6 is on the minus strand). VCF-style: chr17-78126571-G-A. GRCh37 (hg19) VCF-style: chr17-76122652-G-A.
Other names: c.134C>T, p.Thr45Met (NM_001321185.1, NM_001374593.1, NM_001374594.1 and 4 more transcripts); short protein forms T45M.
Identifiers: ClinVar variation 938468 (VCV000938468.6), dbSNP rs746048217, ClinGen allele CA8796250.

ClinVar aggregate classification (germline): Uncertain significance (1 of 4 stars; one submission).

Conditions:
Epidermodysplasia verruciformis. Identifiers: Orphanet 302, MedGen C0014522, MONDO:0009176.

Allele frequency attached by ClinVar (database versions not stated): TOPMed 0.00003; ExAC 0.00002; gnomAD 0.00003; gnomAD exomes 0.00002.
gnomAD v4.1: 33 of 1,613,634 alleles (0.002%); highest among the groups gnomAD compares: South Asian, 0.0033%; no homozygotes.

Submission:

Labcorp Genetics (formerly Invitae), Labcorp
Classification: Uncertain significance for Epidermodysplasia verruciformis. Last evaluated: 2024-10-21. Review status: criteria provided, single submitter. Criteria: Invitae Variant Classification Sherloc (09022015). Collection method: clinical testing. Allele origin: germline.
Comment: This sequence change replaces threonine, which is neutral and polar, with methionine, which is neutral and non-polar, at codon 45 of the TMC6 protein (p.Thr45Met). This variant is present in population databases (rs746048217, gnomAD 0.007%). This variant has not been reported in the literature in individuals affected with TMC6-related conditions. ClinVar contains an entry for this variant (Variation ID: 938468). An algorithm developed to predict the effect of missense changes on protein structure and function (PolyPhen-2) suggests that this variant¬†is likely to be tolerated. In summary, the available evidence is currently insufficient to determine the role of this variant in disease. Therefore, it has been classified as a Variant of Uncertain Significance.